The following is an entry in ClinVar:

ClinVar aggregate classification (germline): Pathogenic (1 of 4 stars; one submission).

Submission:

GeneDx
Classification: Pathogenic. Last evaluated: 2018-04-23. Review status: criteria provided, single submitter. Criteria: GeneDx Variant Classification (06012015). Collection method: clinical testing. Allele origin: germline. Affected: yes.
Comment: The c.174dupG variant in the CCM2 gene has not been reported previously as a pathogenic variant nor as a benign variant, to our knowledge. The c.174dupG variant causes a frameshift starting with codon Leucine 59, changes this amino acid to an Alanine residue, and creates a premature Stop codon at position 6 of the new reading frame, denoted p.Leu59AlafsX6. This variant is predicted to cause loss of normal protein function either through protein truncation or nonsense-mediated mRNA decay. The c.174dupG variant is not observed in large population cohorts (Lek et al., 2016).

NM_031443.4(CCM2):c.174dup (p.Leu59fs)

Gene: CCM2 (CCM2 scaffold protein; plus strand). Cytogenetic location: 7p13.
Variant type: Duplication.
Coding change: c.174dup on transcript NM_031443.4 (MANE Select); coding-DNA position 174, one base duplicated (G; older notation c.174dupG).
Protein change: p.Leu59fs; shifts the reading frame from leucine 59.
Molecular consequence: frameshift variant. On other transcripts: non-coding transcript variant (1), intron variant (2).
Genome position (GRCh38, 1-based): chr7:45,038,396, G duplicated. VCF-style (leftmost placement, unchanged base first): chr7-45038395-T-TG. GRCh37 (hg19) VCF-style: chr7-45077994-T-TG.
Other names: c.237dup, p.Leu80fs (NM_001029835.2); c.174dup, p.Leu59fs (NM_001167935.2, NM_001363458.2); c.31-25522dup (NM_001363459.2, NM_001167934.2); c.174dupG (NM_031443.3); short protein forms L59fs, L80fs.
Identifiers: ClinVar variation 524145 (VCV000524145.2), dbSNP rs1554365577, ClinGen allele CA658796932.